The following is an entry in ClinVar:

ClinVar aggregate classification (germline): Uncertain significance (1 of 4 stars; one submission).

Allele frequency attached by ClinVar (database versions not stated): gnomAD exomes below 0.00001.
gnomAD v4.1: 5 of 1,595,338 alleles (0.00031%); highest among the groups gnomAD compares: Non-Finnish European, 0.00017%; no homozygotes.

Submission:

Labcorp Genetics (formerly Invitae), Labcorp
Classification: Uncertain significance. Last evaluated: 2022-02-03. Review status: criteria provided, single submitter. Criteria: Invitae Variant Classification Sherloc (09022015). Collection method: clinical testing. Allele origin: germline.
Comment: Algorithms developed to predict the effect of missense changes on protein structure and function are either unavailable or do not agree on the potential impact of this missense change (SIFT: "Tolerated"; PolyPhen-2: "Probably Damaging"; Align-GVGD: "Class C0"). In summary, the available evidence is currently insufficient to determine the role of this variant in disease. Therefore, it has been classified as a Variant of Uncertain Significance. ClinVar contains an entry for this variant (Variation ID: 1062805). This variant has not been reported in the literature in individuals affected with IMPG1-related conditions. This variant is present in population databases (no rsID available, gnomAD 0.005%). This sequence change replaces proline, which is neutral and non-polar, with arginine, which is basic and polar, at codon 290 of the IMPG1 protein (p.Pro290Arg).

NM_001563.4(IMPG1):c.869C>G (p.Pro290Arg)

Gene: IMPG1 (interphotoreceptor matrix proteoglycan 1; minus strand). Cytogenetic location: 6q14.1.
Variant type: single nucleotide variant.
Coding change: c.869C>G on transcript NM_001563.4 (MANE Select); coding-DNA position 869, C replaced by G.
Protein change: p.Pro290Arg; replaces proline 290 with arginine.
Molecular consequence: missense variant.
Genome position (GRCh38, 1-based): chr6:76,007,498, G>C on the plus strand (C>G on the coding strand, the complement: IMPG1 is on the minus strand). VCF-style: chr6-76007498-G-C. GRCh37 (hg19) VCF-style: chr6-76717215-G-C.
Other names: c.635C>G, p.Pro212Arg (NM_001282368.2); short protein forms P212R, P290R.
Identifiers: ClinVar variation 1062805 (VCV001062805.9), dbSNP rs1162964586, ClinGen allele CA364775301.
Genomic context (GRCh38, chr6:76,007,498, plus strand): 5'-GACGGGAATGTACTATATTTCAAAACTTAAAGTCCAAATTACCCATCTTTTTCTTTCTTT[G>C]GTCTTCATTTCATCATGCACAATGGAAACATGAAAAAGAGAAAAAAATTTAATGACATTT-3'
Protein context (NP_001554.2, residues 280-300): FKKIHVLGFR[Pro290Arg]KKEKDGSSST